The following is an entry in ClinVar:

ClinVar aggregate classification (germline): Likely benign. Review status: reviewed by expert panel (3 of 4 stars). 5 submissions from 5 submitters: Likely benign (1). 4 of the submissions do not count toward it. Last evaluated 2017-06-29.

Conditions:
Familial cancer of breast. Also called: BREAST CANCER, FAMILIAL; Hereditary breast cancer; hereditary breast carcinoma. Identifiers: Orphanet 227535, MedGen C0346153, MONDO:0016419, OMIM 114480. Disease mechanism: loss of function.
Pancreatic cancer, susceptibility to, 4. Identifiers: Orphanet 1333, MedGen C3280442, MONDO:0013685, OMIM 614320.
Fanconi anemia, complementation group S (FANCS). Identifiers: MedGen C4554406, MONDO:0054748, OMIM 617883.
Breast-ovarian cancer, familial, susceptibility to, 1 (BROVCA1). Also called: OVARIAN CANCER, SUSCEPTIBILITY TO; BRCA1 Hereditary Breast and Ovarian Cancer. Identifiers: Orphanet 145, MedGen C2676676, MONDO:0011450, OMIM 604370. Disease mechanism: loss of function.
Hereditary breast ovarian cancer syndrome. Also called: Hereditary breast and ovarian cancer syndrome; Hereditary breast and ovarian cancer syndrome (HBOC); BRCA1- and BRCA2-Associated Hereditary Breast and Ovarian Cancer; Breast and ovarian cancer; Hereditary breast and ovarian cancer; Hereditary breast and/or ovarian cancer syndrome. Identifiers: Orphanet 145, MedGen C0677776, MeSH D061325, MONDO:0003582. Disease mechanism: loss of function.
Hereditary cancer-predisposing syndrome. Also called: Hereditary Cancer Syndrome; Hereditary neoplastic syndrome; Tumor predisposition; Neoplastic Syndromes, Hereditary. Identifiers: Orphanet 140162, MedGen C0027672, MeSH D009386, MONDO:0015356.

gnomAD v4.1: 9 of 1,614,044 alleles (0.00056%); highest among the groups gnomAD compares: Non-Finnish European, 0.00076%; no homozygotes.

Submissions (5):

Evidence-based Network for the Interpretation of Germline Mutant Alleles (ENIGMA)
Classification: Likely benign for Breast-ovarian cancer, familial, susceptibility to, 1. Last evaluated: 2017-06-29. Review status: reviewed by expert panel. Criteria: ENIGMA BRCA1/2 Classification Criteria (2017-06-29). Collection method: curation. Allele origin: germline.
Comment: Synonymous substitution variant, with low bioinformatic likelihood to result in a splicing aberration (Splicing prior probability 0.02).

Labcorp Genetics (formerly Invitae), Labcorp
Classification: Likely benign for Hereditary breast ovarian cancer syndrome. Last evaluated: 2024-05-06. Review status: criteria provided, single submitter. Criteria: Invitae Variant Classification Sherloc (09022015). Collection method: clinical testing. Allele origin: germline. Not counted in ClinVar's aggregate classification.

Fulgent Genetics
Classification: Likely benign for Familial cancer of breast; Breast-ovarian cancer, familial, susceptibility to, 1; Pancreatic cancer, susceptibility to, 4; Fanconi anemia, complementation group S. Last evaluated: 2022-04-18. Review status: criteria provided, single submitter. Criteria: ACMG Guidelines, 2015. Collection method: clinical testing. Allele origin: unknown. Not counted in ClinVar's aggregate classification.

Color Diagnostics, LLC DBA Color Health
Classification: Likely benign for Hereditary cancer-predisposing syndrome. Last evaluated: 2017-09-08. Review status: criteria provided, single submitter. Criteria: ACMG Guidelines, 2015. Collection method: clinical testing. Allele origin: germline. Not counted in ClinVar's aggregate classification.

Ambry Genetics
Classification: Likely benign for Hereditary cancer-predisposing syndrome. Last evaluated: 2016-02-09. Review status: criteria provided, single submitter. Criteria: Ambry Variant Classification Scheme 2023. Collection method: clinical testing. Allele origin: germline. Not counted in ClinVar's aggregate classification.

NM_007294.4(BRCA1):c.3075A>C (p.Thr1025=)

Gene: BRCA1 (BRCA1 DNA repair associated; minus strand). Cytogenetic location: 17q21.31.
Variant type: single nucleotide variant.
Coding change: c.3075A>C on transcript NM_007294.4 (MANE Select); coding-DNA position 3075, A replaced by C.
Protein change: p.Thr1025=; no amino-acid change (threonine 1025 retained).
Molecular consequence: synonymous variant. On other transcripts: intron variant (137).
Genome position (GRCh38, 1-based): chr17:43,092,456, T>G on the plus strand (A>C on the coding strand, the complement: BRCA1 is on the minus strand). VCF-style: chr17-43092456-T-G. GRCh37 (hg19) VCF-style: chr17-41244473-T-G.
Other names: c.647-1424A>C (NM_001408460.1, NM_001408454.1, NM_001408456.1 and 11 more transcripts); c.707-1424A>C (NM_001408413.1, NM_001408416.1); c.587-1424A>C (NM_001408476.1, NM_001408474.1); c.710-1424A>C (NM_001408409.1, NM_001408414.1, NM_001408411.1 and 2 more transcripts); c.575-1424A>C (NM_001408493.1, NM_001408490.1, NM_001408491.1); c.455-1424A>C (NM_001408502.1); c.578-1424A>C (NM_001408489.1, NM_001408479.1, NM_001408482.1 and 9 more transcripts); c.662-1424A>C (NM_001408445.1, NM_001408432.1, NM_001408450.1 and 6 more transcripts); and 41 more.
Identifiers: ClinVar variation 184066 (VCV000184066.26), dbSNP rs786201258, ClinGen allele CA002017.